The following is an entry in ClinVar:

ClinVar aggregate classification (germline): Uncertain significance. Review status: criteria provided, multiple submitters, no conflicts (2 of 4 stars). 2 submissions from 2 submitters: Uncertain significance (2). Last evaluated 2022-05-04.

Conditions:
X-linked recessive nephrolithiasis with renal failure (XRN). Also called: NEPHROLITHIASIS 1; NEPHROLITHIASIS, X-LINKED RECESSIVE, TYPE 1; UROLITHIASIS, X-LINKED RECESSIVE, TYPE 1. Identifiers: Orphanet 1652, Orphanet 93622, MedGen C0403720, MONDO:0010687, OMIM 310468.
Dent disease type 1 (DENT1). Also called: NEPHROLITHIASIS 2; NEPHROLITHIASIS, HYPERCALCIURIC, X-LINKED. Identifiers: Orphanet 1652, Orphanet 93622, MedGen C1848336, MONDO:0010225, OMIM 300009.
Hypophosphatemic rickets, X-linked recessive (XLHRR). Identifiers: Orphanet 1652, Orphanet 93622, MedGen C1845168, MONDO:0010358, OMIM 300554.
Proteinuria, low molecular weight, with hypercalciuria and nephrocalcinosis. Identifiers: Orphanet 1652, Orphanet 93622, MedGen C1839874, MONDO:0010644, OMIM 308990.

Allele frequency attached by ClinVar (database versions not stated): ExAC 0.00001; gnomAD exomes 0.00004; gnomAD 0.00005; TOPMed 0.00006.
gnomAD v4.1: 53 of 1,208,487 alleles (0.0044%); highest among the groups gnomAD compares: Admixed American, 0.026%; no homozygotes.

Submissions (2):

Fulgent Genetics
Classification: Uncertain significance for Dent disease type 1; Hypophosphatemic rickets, X-linked recessive; Proteinuria, low molecular weight, with hypercalciuria and nephrocalcinosis; X-linked recessive nephrolithiasis with renal failure. Last evaluated: 2022-05-04. Review status: criteria provided, single submitter. Criteria: ACMG Guidelines, 2015. Collection method: clinical testing. Allele origin: unknown.

Labcorp Genetics (formerly Invitae), Labcorp
Classification: Uncertain significance. Last evaluated: 2021-09-01. Review status: criteria provided, single submitter. Criteria: Invitae Variant Classification Sherloc (09022015). Collection method: clinical testing. Allele origin: germline.
Comment: This sequence change replaces threonine with methionine at codon 663 of the CLCN5 protein (p.Thr663Met). The threonine residue is moderately conserved and there is a moderate physicochemical difference between threonine and methionine. This variant is present in population databases (rs781924436, ExAC 0.01%). This variant has not been reported in the literature in individuals affected with CLCN5-related conditions. Algorithms developed to predict the effect of missense changes on protein structure and function are either unavailable or do not agree on the potential impact of this missense change (SIFT: "Deleterious"; PolyPhen-2: "Probably Damaging"; Align-GVGD: "Class C15"). In summary, the available evidence is currently insufficient to determine the role of this variant in disease. Therefore, it has been classified as a Variant of Uncertain Significance.

NM_001127898.4(CLCN5):c.2198C>T (p.Thr733Met)

Genes: CLCN5 (Cl-/H+ antiporter 5; plus strand), LOC126863258 (BRD4-independent group 4 enhancer GRCh37_chrX:49854497-49855696; plus strand). Cytogenetic location: Xp11.23.
Variant type: single nucleotide variant.
Coding change: c.2198C>T on transcript NM_001127898.4 (MANE Select); coding-DNA position 2198, C replaced by T.
Protein change: p.Thr733Met; replaces threonine 733 with methionine.
Molecular consequence: missense variant.
Genome position (GRCh38, 1-based): chrX:50,090,724, C>T. VCF-style: chrX-50090724-C-T. GRCh37 (hg19) VCF-style: chrX-49855381-C-T.
Other names: c.1988C>T, p.Thr663Met (NM_000084.5); c.2198C>T, p.Thr733Met (NM_001127899.4); c.2048C>T, p.Thr683Met (NM_001282163.2); short protein forms T683M, T663M, T733M.
Identifiers: ClinVar variation 965079 (VCV000965079.7), dbSNP rs781924436, ClinGen allele CA10413974.